The following is an entry in ClinVar:

ClinVar aggregate classification (germline): Uncertain significance. Review status: criteria provided, multiple submitters, no conflicts (2 of 4 stars). 2 submissions from 2 submitters: Uncertain significance (2). Last evaluated 2025-09-13.

Conditions:
Hereditary cancer-predisposing syndrome. Also called: Neoplastic Syndromes, Hereditary; Hereditary neoplastic syndrome; Hereditary Cancer Syndrome; Tumor predisposition. Identifiers: Orphanet 140162, MedGen C0027672, MeSH D009386, MONDO:0015356.
POLE-related polyposis and colorectal cancer syndrome. Identifiers: MedGen CN324030, MONDO:0100287.

Allele frequency attached by ClinVar (database versions not stated): gnomAD 0.00001; gnomAD exomes 0.00001 and below 0.00001; ExAC 0.00001.
gnomAD v4.1: 5 of 1,614,092 alleles (0.00031%); highest among the groups gnomAD compares: East Asian, 0.0045%; no homozygotes.

Submissions (2):

Labcorp Genetics (formerly Invitae), Labcorp
Classification: Uncertain significance. Last evaluated: 2025-09-13. Review status: criteria provided, single submitter. Criteria: Invitae Variant Classification Sherloc (09022015). Collection method: clinical testing. Allele origin: germline.
Comment: This sequence change replaces valine, which is neutral and non-polar, with alanine, which is neutral and non-polar, at codon 888 of the POLE protein (p.Val888Ala). This variant is present in population databases (rs778989223, gnomAD 0.01%). This variant has not been reported in the literature in individuals affected with POLE-related conditions. ClinVar contains an entry for this variant (Variation ID: 838496). Invitae Evidence Modeling of protein sequence and biophysical properties (such as structural, functional, and spatial information, amino acid conservation, physicochemical variation, residue mobility, and thermodynamic stability) indicates that this missense variant is not expected to disrupt POLE protein function with a negative predictive value of 80%. In summary, the available evidence is currently insufficient to determine the role of this variant in disease. Therefore, it has been classified as a Variant of Uncertain Significance.

Ambry Genetics
Classification: Uncertain significance for Hereditary cancer-predisposing syndrome. Last evaluated: 2024-03-16. Review status: criteria provided, single submitter. Criteria: Ambry Variant Classification Scheme 2023. Collection method: clinical testing. Allele origin: germline.

NM_006231.4(POLE):c.2663T>C (p.Val888Ala)

Gene: POLE (DNA polymerase epsilon, catalytic subunit; minus strand). Cytogenetic location: 12q24.33.
Variant type: single nucleotide variant.
Coding change: c.2663T>C on transcript NM_006231.4 (MANE Select); coding-DNA position 2663, T replaced by C.
Protein change: p.Val888Ala; replaces valine 888 with alanine.
Molecular consequence: missense variant.
Genome position (GRCh38, 1-based): chr12:132,664,047, A>G on the plus strand (T>C on the coding strand, the complement: POLE is on the minus strand). VCF-style: chr12-132664047-A-G. GRCh37 (hg19) VCF-style: chr12-133240633-A-G.
Other names: short protein forms V888A.
Identifiers: ClinVar variation 838496 (VCV000838496.14), dbSNP rs778989223, ClinGen allele CA6893483.